The following is an entry in ClinVar:

ClinVar aggregate classification (germline): Uncertain significance (1 of 4 stars; one submission).

Conditions:
Early-infantile DEE. Also called: Early infantile epileptic encephalopathy; Early infantile epileptic encephalopathy with suppression bursts; Ohtahara syndrome. Identifiers: Orphanet 1934, MedGen C0393706, MONDO:0800491.

Allele frequency attached by ClinVar (database versions not stated): gnomAD exomes below 0.00001.
gnomAD v4.1: 1 of 1,613,926 alleles (0.000062%); highest among the groups gnomAD compares: Non-Finnish European, 0.000085%; no homozygotes.

Submission:

Labcorp Genetics (formerly Invitae), Labcorp
Classification: Uncertain significance for Early-infantile DEE. Last evaluated: 2017-09-20. Review status: criteria provided, single submitter. Criteria: Invitae Variant Classification Sherloc (09022015). Collection method: clinical testing. Allele origin: germline.
Comment: In summary, the available evidence is currently insufficient to determine the role of this variant in disease. Therefore, it has been classified as a Variant of Uncertain Significance. Algorithms developed to predict the effect of missense changes on protein structure and function do not agree on the potential impact of this missense change (SIFT: "Deleterious"; PolyPhen-2: "Possibly Damaging"; Align-GVGD: "Class C0"). This variant has not been reported in the literature in individuals with CACNA2D2-related disease. This variant is not present in population databases (ExAC no frequency). This sequence change replaces valine with methionine at codon 423 of the CACNA2D2 protein (p.Val423Met). The valine residue is moderately conserved and there is a small physicochemical difference between valine and methionine.

NM_006030.4(CACNA2D2):c.1267G>A (p.Val423Met)

Gene: CACNA2D2 (calcium voltage-gated channel auxiliary subunit alpha2delta 2; minus strand). Cytogenetic location: 3p21.31.
Variant type: single nucleotide variant.
Coding change: c.1267G>A on transcript NM_006030.4 (MANE Select); coding-DNA position 1267, G replaced by A.
Protein change: p.Val423Met; replaces valine 423 with methionine.
Molecular consequence: missense variant.
Genome position (GRCh38, 1-based): chr3:50,378,987, C>T on the plus strand (G>A on the coding strand, the complement: CACNA2D2 is on the minus strand). VCF-style: chr3-50378987-C-T. GRCh37 (hg19) VCF-style: chr3-50416418-C-T.
Other names: c.1267G>A, p.Val423Met (NM_001005505.3, NM_001174051.3); c.1060G>A, p.Val354Met (NM_001291101.1); short protein forms V423M, V354M.
Identifiers: ClinVar variation 530432 (VCV000530432.6), dbSNP rs1553729622, ClinGen allele CA352931663.
Genomic context (GRCh38, chr3:50,378,987, plus strand): 5'-AGGCCATCCACTGCAGCGGTGTGACGTCATAGTTATGCTGCCCCACGGAGAAAGTAAACA[C>T]GCGCACCTGTGGGGGGTTTGAGGTTACTGCTGTGGCCACCAGGGGACAGCCCTCTTCTGT-3'
Protein context (NP_006021.2, residues 413-433): KYNWPNRTVR[Val423Met]FTFSVGQHNY